The following is an entry in ClinVar:

NM_001367916.1(MAGT1):c.595A>T (p.Ile199Phe)

Gene: MAGT1 (magnesium transporter 1; minus strand). Cytogenetic location: Xq21.1.
Variant type: single nucleotide variant.
Coding change: c.595A>T on transcript NM_001367916.1 (MANE Select); coding-DNA position 595, A replaced by T.
Protein change: p.Ile199Phe; replaces isoleucine 199 with phenylalanine.
Molecular consequence: missense variant.
Genome position (GRCh38, 1-based): chrX:77,856,810, T>A on the plus strand (A>T on the coding strand, the complement: MAGT1 is on the minus strand). VCF-style: chrX-77856810-T-A. GRCh37 (hg19) VCF-style: chrX-77112307-T-A.
Other names: c.691A>T, p.Ile231Phe (NM_032121.5); short protein forms I231F, I199F.
Identifiers: ClinVar variation 1389329 (VCV001389329.6), dbSNP rs1191465689, ClinGen allele CA413713751.

ClinVar aggregate classification (germline): Uncertain significance (1 of 4 stars; one submission).

Conditions:
X-linked immunodeficiency with magnesium defect, Epstein-Barr virus infection and neoplasia. Identifiers: Orphanet 317476, MedGen C3275445, MONDO:0010455, OMIM 300853.

Allele frequency attached by ClinVar (database versions not stated): gnomAD exomes 0.00001 and 0.00002; TOPMed below 0.00001.
gnomAD v4.1: 26 of 1,205,124 alleles (0.0022%); highest among the groups gnomAD compares: Non-Finnish European, 0.0028%; no homozygotes.

Submission:

Labcorp Genetics (formerly Invitae), Labcorp
Classification: Uncertain significance for X-linked immunodeficiency with magnesium defect, Epstein-Barr virus infection and neoplasia. Last evaluated: 2025-12-09. Review status: criteria provided, single submitter. Criteria: Invitae Variant Classification Sherloc (09022015). Collection method: clinical testing. Allele origin: germline.
Comment: This sequence change replaces isoleucine, which is neutral and non-polar, with phenylalanine, which is neutral and non-polar, at codon 231 of the MAGT1 protein (p.Ile231Phe). This variant is present in population databases (no rsID available, gnomAD 0.002%), including at least one homozygous and/or hemizygous individual. This variant has not been reported in the literature in individuals affected with MAGT1-related conditions. ClinVar contains an entry for this variant (Variation ID: 1389329). Invitae Evidence Modeling of protein sequence and biophysical properties (such as structural, functional, and spatial information, amino acid conservation, physicochemical variation, residue mobility, and thermodynamic stability) indicates that this missense variant is not expected to disrupt MAGT1 protein function with a negative predictive value of 80%. In summary, the available evidence is currently insufficient to determine the role of this variant in disease. Therefore, it has been classified as a Variant of Uncertain Significance.